The following is an entry in ClinVar:

NM_006939.4(SOS2):c.1781G>T (p.Ser594Ile)

Gene: SOS2 (SOS Ras/Rho guanine nucleotide exchange factor 2; minus strand). Cytogenetic location: 14q21.3.
Variant type: single nucleotide variant.
Coding change: c.1781G>T on transcript NM_006939.4 (MANE Select); coding-DNA position 1781, G replaced by T.
Protein change: p.Ser594Ile; replaces serine 594 with isoleucine.
Molecular consequence: missense variant.
Genome position (GRCh38, 1-based): chr14:50,159,502, C>A on the plus strand (G>T on the coding strand, the complement: SOS2 is on the minus strand). VCF-style: chr14-50159502-C-A. GRCh37 (hg19) VCF-style: chr14-50626220-C-A.
Other names: c.1682G>T, p.Ser561Ile (NM_001411020.1); short protein forms S594I, S561I.
Identifiers: ClinVar variation 2843280 (VCV002843280.3), dbSNP rs2502988007, ClinGen allele CA389644982.

ClinVar aggregate classification (germline): Uncertain significance (1 of 4 stars; one submission).

Conditions:
Noonan syndrome 9 (NS9). Identifiers: Orphanet 648, MedGen C4225282, MONDO:0014691, OMIM 616559.

Submission:

Labcorp Genetics (formerly Invitae), Labcorp
Classification: Uncertain significance for Noonan syndrome 9. Last evaluated: 2023-05-12. Review status: criteria provided, single submitter. Criteria: Invitae Variant Classification Sherloc (09022015). Collection method: clinical testing. Allele origin: germline.
Comment: This sequence change replaces serine, which is neutral and polar, with isoleucine, which is neutral and non-polar, at codon 594 of the SOS2 protein (p.Ser594Ile). This variant is not present in population databases (gnomAD no frequency). This variant has not been reported in the literature in individuals affected with SOS2-related conditions. Advanced modeling of protein sequence and biophysical properties (such as structural, functional, and spatial information, amino acid conservation, physicochemical variation, residue mobility, and thermodynamic stability) performed at Invitae indicates that this missense variant is not expected to disrupt SOS2 protein function. In summary, the available evidence is currently insufficient to determine the role of this variant in disease. Therefore, it has been classified as a Variant of Uncertain Significance.